The following is an entry in ClinVar:

ClinVar aggregate classification (germline): Pathogenic (1 of 4 stars; one submission).

Conditions:
Hereditary cancer-predisposing syndrome. Also called: Neoplastic Syndromes, Hereditary; Tumor predisposition; Hereditary Cancer Syndrome; Hereditary neoplastic syndrome. Identifiers: Orphanet 140162, MedGen C0027672, MeSH D009386, MONDO:0015356.

Submission:

Ambry Genetics
Classification: Pathogenic for Hereditary cancer-predisposing syndrome. Last evaluated: 2026-03-02. Review status: criteria provided, single submitter. Criteria: Ambry Variant Classification Scheme 2023. Collection method: clinical testing. Allele origin: germline.
Comment: The c.337_346del10 pathogenic mutation, located in coding exon 4 of the ATM gene, results from a deletion of 10 nucleotides at nucleotide positions 337 to 346, causing a translational frameshift with a predicted alternate stop codon (p.P113Nfs*6). This variant is considered to be rare based on population cohorts in the Genome Aggregation Database (gnomAD). This variant is expected to result in loss of function by premature protein truncation or nonsense-mediated mRNA decay. As such, this variant is interpreted as a disease-causing mutation.

NM_000051.4(ATM):c.337_346del (p.Pro113fs)

Gene: ATM (ATM serine/threonine kinase; plus strand). Cytogenetic location: 11q22.3.
Variant type: Deletion.
Coding change: c.337_346del on transcript NM_000051.4 (MANE Select); coding-DNA positions 337 to 346, 10 bases deleted (CCTAGGCTAA; older notation c.337_346delCCTAGGCTAA).
Protein change: p.Pro113fs; shifts the reading frame from proline 113.
Molecular consequence: frameshift variant.
Genome position (GRCh38, 1-based): chr11:108,235,675-108,235,684, CCTAGGCTAA deleted; deleting any 10 consecutive bases within chr11:108,235,674-108,235,684 gives the same sequence; the c. name uses the placement nearest the transcript's 3' end. VCF-style (leftmost placement, unchanged base first): chr11-108235673-CACCTAGGCTA-C. GRCh37 (hg19) VCF-style: chr11-108106400-CACCTAGGCTA-C.
Other names: c.337_346del, p.Pro113fs (NM_001351834.2); c.337_346del10 (NM_000051.3); short protein forms P113fs.
Identifiers: ClinVar variation 4825532 (VCV004825532.1).
Genomic context (GRCh38, chr11:108,235,673, plus strand): 5'-AAGTGTCTTATTTTTGTTCAAATTTATGTTTTTCTTTATTTGTTTATTTTGAAATAGGAG[CACCTAGGCTA>C]AAATGTCAAGAACTCTTAAATTATATCATGGATACAGTGAAAGATTCATCTAATGGTGCT-3'